The following is an entry in ClinVar:

ClinVar aggregate classification (germline): Likely pathogenic (0 of 4 stars; one submission).

Submission:

Laboratorio de Genética, Hospital Universitario Reina Sofía
Classification: Likely pathogenic. Review status: no assertion criteria provided. Collection method: clinical testing. Allele origin: de novo. Inheritance: Autosomal dominant inheritance. Affected: yes and no.
Comment: This variant is a missense change. It has not been previously described in clinical databases or in the consulted scientific literature to date. It is not present in dbSNP or gnomAD population databases. The bioinformatic predictor CADD suggests that this change may have a deleterious effect. No phenotype has been associated with this gene in OMIM, as it is currently a gene under investigation.

NM_014633.5(CTR9):c.2801A>G (p.Lys934Arg)

Gene: CTR9 (CTR9 component of Paf1/RNA polymerase II complex; plus strand). Cytogenetic location: 11p15.4.
Variant type: single nucleotide variant.
Coding change: c.2801A>G on transcript NM_014633.5 (MANE Select); coding-DNA position 2801, A replaced by G.
Protein change: p.Lys934Arg; replaces lysine 934 with arginine.
Molecular consequence: missense variant.
Genome position (GRCh38, 1-based): chr11:10,774,085, A>G. VCF-style: chr11-10774085-A-G. GRCh37 (hg19) VCF-style: chr11-10795632-A-G.
Other names: c.2729A>G, p.Lys910Arg (NM_001346279.2); short protein forms K910R, K934R.
Identifiers: ClinVar variation 4814031 (VCV004814031.1).